The following is an entry in ClinVar:

ClinVar aggregate classification (germline): Likely pathogenic (1 of 4 stars; one submission).

Submission:

GeneDx
Classification: Likely pathogenic. Last evaluated: 2016-09-30. Review status: criteria provided, single submitter. Criteria: GeneDx Variant Classification (06012015). Collection method: clinical testing. Allele origin: germline. Affected: yes.
Comment: The c.1048_1060del13 variant in the SPRED1 gene has been reported previously in individuals with Legius syndrome (Evans et al., 2016; Pasmant et al., 2009). The c.1048_1060del13 variant was not observed in approximately 6,500 individuals of European and African American ancestry in the NHLBI Exome Sequencing Project, indicating it is not a common benign variant in these populations. The deletion causes a frameshift starting with codon Glycine 350, changes this amino acid to a Methionine residue and creates a premature Stop codon at position 52 of the new reading frame, denoted p.Gly350MetfsX52. This variant is predicted to cause loss of normal protein function through protein truncation. Specifically, it is predicted that the last 95 correct residues will be lost and replaced by 51 incorrect residues. Therefore, this variant is likely pathogenic.

NM_152594.3(SPRED1):c.1048_1060del (p.Gly350fs)

Gene: SPRED1 (sprouty related EVH1 domain containing 1; plus strand). Cytogenetic location: 15q14.
Variant type: Deletion.
Coding change: c.1048_1060del on transcript NM_152594.3 (MANE Select); coding-DNA positions 1048 to 1060, 13 bases deleted (GGAAAATGTCAGG).
Protein change: p.Gly350fs; shifts the reading frame from glycine 350.
Molecular consequence: frameshift variant.
Genome position (GRCh38, 1-based): chr15:38,351,377-38,351,389, GGAAAATGTCAGG deleted; deleting any 13 consecutive bases within chr15:38,351,374-38,351,389 gives the same sequence; the c. name uses the placement nearest the transcript's 3' end. VCF-style (leftmost placement, unchanged base first): chr15-38351373-TAGGGGAAAATGTC-T. GRCh37 (hg19) VCF-style: chr15-38643574-TAGGGGAAAATGTC-T.
Other names: short protein forms G350fs.
Identifiers: ClinVar variation 372721 (VCV000372721.1), dbSNP rs1057517943, ClinGen allele CA16042867.
Genomic context (GRCh38, chr15:38,351,373, plus strand): 5'-GGATGGTGAACGTTCTCGCTGCGTATACTGCCAGGAAAGGTTTAATCATGAAGAAAATGT[TAGGGGAAAATGTC>T]AGGATGCTCCAGACCCTATTAAAAGATGCATATATCAAGTTAGTTGCATGCTCTGTGCAG-3'